The following is an entry in ClinVar:

ClinVar aggregate classification (germline): Benign. Review status: criteria provided, single submitter (1 of 4 stars). 2 submissions from 2 submitters: Benign (1). 1 of the submissions does not count toward it.

Allele frequency attached by ClinVar (database versions not stated): gnomAD exomes 0.05487 and 0.07844; ExAC 0.08374; gnomAD 0.12733 and 0.12886; ESP Exome Variant Server 0.13440; TOPMed 0.13818; 1000 Genomes Project 0.17532; 1000 Genomes Project 30x 0.17692.
gnomAD v4.1: 100,333 of 1,613,684 alleles (6.2%); highest among the groups gnomAD compares: African/African-American, 32%; 6,792 homozygotes.

Submissions (2):

Breakthrough Genomics
Classification: Benign. Review status: criteria provided, single submitter. Criteria: ACMG Guidelines, 2015. Collection method: not provided. Allele origin: germline. Inheritance: Autosomal recessive inheritance. Affected: yes.

Genetic Services Laboratory, University of Chicago
Classification: Likely benign. Review status: no assertion criteria provided. Collection method: clinical testing. Allele origin: germline. Inheritance: Autosomal recessive inheritance. Not counted in ClinVar's aggregate classification.
Comment: Likely benign based on allele frequency in 1000 Genomes Project or ESP global frequency and its presence in a patient with a rare or unrelated disease phenotype. NOT Sanger confirmed

NM_024596.5(MCPH1):c.2214+13841A>G

Genes: ANGPT2 (angiopoietin 2; minus strand), MCPH1 (microcephalin 1; plus strand). Cytogenetic location: 8p23.1.
Variant type: single nucleotide variant.
Coding change: c.2214+13841A>G on transcript NM_024596.5 (MANE Select); 13841 bases into the intron after coding-DNA position 2214, A replaced by G.
Molecular consequence: intron variant. On other transcripts: synonymous variant (6).
Genome position (GRCh38, 1-based): chr8:6,513,770, A>G. VCF-style: chr8-6513770-A-G. GRCh37 (hg19) VCF-style: chr8-6371291-A-G.
Other names: c.1104T>C, p.Tyr368= (NM_001118887.2, NM_001386337.1); c.951T>C, p.Tyr317= (NM_001118888.2); c.1107T>C, p.Tyr369= (NM_001147.3, NM_001386336.1); c.948T>C, p.Tyr316= (NM_001386335.1); c.2214+13841A>G (NM_001322042.2, NM_001363979.1, NM_001410917.1 and 1 more transcripts); c.1935+58518A>G (NM_001363980.2).
Identifiers: ClinVar variation 158835 (VCV000158835.7), dbSNP rs2916747, ClinGen allele CA172502.
Genomic context (GRCh38, chr8:6,513,770, plus strand): 5'-ATGTTCATACAATGAGTAAGCCTCATTCCCTTCCCAGTCTTTAAGGTGTATTTTAAGCAC[A>G]TAGCGTTGCTGATTAGTCAGTTGCGAAACAAACTCATTTCCCAGCCAATATTCTCCTGAA-3'